The following is an entry in ClinVar:

NM_000059.4(BRCA2):c.3010A>C (p.Ser1004Arg)

Gene: BRCA2 (BRCA2 DNA repair associated; plus strand). Cytogenetic location: 13q13.1.
Variant type: single nucleotide variant.
Coding change: c.3010A>C on transcript NM_000059.4 (MANE Select); coding-DNA position 3010, A replaced by C.
Protein change: p.Ser1004Arg; replaces serine 1004 with arginine.
Molecular consequence: missense variant.
Genome position (GRCh38, 1-based): chr13:32,337,365, A>C. VCF-style: chr13-32337365-A-C. GRCh37 (hg19) VCF-style: chr13-32911502-A-C.
Other names: short protein forms S1004R.
Identifiers: ClinVar variation 1495802 (VCV001495802.7), dbSNP rs398122759, ClinGen allele CA387774738.
Genomic context (GRCh38, chr13:32,337,365, plus strand): 5'-GAAAAAAATAATGATTACATGAACAAATGGGCAGGACTCTTAGGTCCAATTTCAAATCAC[A>C]GTTTTGGAGGTAGCTTCAGAACAGCTTCAAATAAGGAAATCAAGCTCTCTGAACATAACA-3'
Protein context (NP_000050.3, residues 994-1014): AGLLGPISNH[Ser1004Arg]FGGSFRTASN

ClinVar aggregate classification (germline): Conflicting classifications of pathogenicity. Review status: criteria provided, conflicting classifications (1 of 4 stars). 2 submissions from 2 submitters: Uncertain significance (1); Likely benign (1). Last evaluated 2023-03-23.

Conditions:
Hereditary cancer-predisposing syndrome. Also called: Tumor predisposition; Hereditary neoplastic syndrome; Neoplastic Syndromes, Hereditary; Hereditary Cancer Syndrome. Identifiers: Orphanet 140162, MedGen C0027672, MeSH D009386, MONDO:0015356.
Hereditary breast ovarian cancer syndrome. Also called: BRCA1- and BRCA2-Associated Hereditary Breast and Ovarian Cancer; Hereditary breast and ovarian cancer; Hereditary breast and/or ovarian cancer syndrome; Hereditary breast and ovarian cancer syndrome; Hereditary breast and ovarian cancer syndrome (HBOC); Breast and ovarian cancer. Identifiers: Orphanet 145, MedGen C0677776, MeSH D061325, MONDO:0003582. Disease mechanism: loss of function.

Submissions (2):

University of Washington Department of Laboratory Medicine, University of Washington
Classification: Likely benign for Hereditary cancer-predisposing syndrome. Last evaluated: 2023-03-23. Review status: criteria provided, single submitter. Criteria: Dines et al. (Genet Med. 2020). Collection method: curation. Allele origin: germline.
Comment: Missense variant in a coldspot region where missense variants are very unlikely to be pathogenic (PMID:31911673).

BRCA2 exon 11 coldspot. Reclassification based on statistical prior probability.

Labcorp Genetics (formerly Invitae), Labcorp
Classification: Uncertain significance for Hereditary breast ovarian cancer syndrome. Last evaluated: 2021-10-10. Review status: criteria provided, single submitter. Criteria: Invitae Variant Classification Sherloc (09022015). Collection method: clinical testing. Allele origin: germline.
Comment: Advanced modeling of protein sequence and biophysical properties (such as structural, functional, and spatial information, amino acid conservation, physicochemical variation, residue mobility, and thermodynamic stability) performed at Invitae indicates that this missense variant is not expected to disrupt BRCA2 protein function. In summary, the available evidence is currently insufficient to determine the role of this variant in disease. Therefore, it has been classified as a Variant of Uncertain Significance. This variant has not been reported in the literature in individuals affected with BRCA2-related conditions. This variant is not present in population databases (ExAC no frequency). This sequence change replaces serine with arginine at codon 1004 of the BRCA2 protein (p.Ser1004Arg). The serine residue is weakly conserved and there is a moderate physicochemical difference between serine and arginine.